The following is an entry in ClinVar:

ClinVar aggregate classification (germline): Uncertain significance (1 of 4 stars; one submission).

Submission:

Women's Health and Genetics/Laboratory Corporation of America, LabCorp
Classification: Uncertain significance. Last evaluated: 2023-12-20. Review status: criteria provided, single submitter. Criteria: LabCorp Variant Classification Summary - May 2015. Collection method: clinical testing. Allele origin: germline.
Comment: Variant summary: CASR c.2096C>G (p.Thr699Ser) results in a conservative amino acid change located in the C-terminal domain (IPR017978) of the encoded protein sequence. Four of five in-silico tools predict a damaging effect of the variant on protein function. The variant was absent in 251452 control chromosomes (gnomAD). The available data on variant occurrences in the general population are insufficient to allow any conclusion about variant significance. To our knowledge, no occurrence of c.2096C>G in individuals affected with Autosomal Dominant Hypocalcemia and no experimental evidence demonstrating its impact on protein function have been reported. However, a different missense affecting the same amino acid position (Thr699Asn) has been reported in an individual affected with hypocalciuric hypercalcaemia, and in vitro functional characterization supported the causal role of this variant (PMID 35356007); these data suggest that the Thr699 residue might be important for protein function. No submitters have cited clinical-significance assessments for this variant to ClinVar after 2014. Based on the evidence outlined above, the variant was classified as uncertain significance.

NM_000388.4(CASR):c.2096C>G (p.Thr699Ser)

Gene: CASR (calcium sensing receptor; plus strand). Cytogenetic location: 3q21.1.
Variant type: single nucleotide variant.
Coding change: c.2096C>G on transcript NM_000388.4 (MANE Select); coding-DNA position 2096, C replaced by G.
Protein change: p.Thr699Ser; replaces threonine 699 with serine.
Molecular consequence: missense variant.
Genome position (GRCh38, 1-based): chr3:122,284,050, C>G. VCF-style: chr3-122284050-C-G. GRCh37 (hg19) VCF-style: chr3-122002897-C-G.
Other names: c.2126C>G, p.Thr709Ser (NM_001178065.2); short protein forms T699S, T709S.
Identifiers: ClinVar variation 2691351 (VCV002691351.1), dbSNP rs2107649929, ClinGen allele CA354158525.